The following is an entry in ClinVar:

NM_000059.4(BRCA2):c.5155A>T (p.Asn1719Tyr)

Gene: BRCA2 (BRCA2 DNA repair associated; plus strand). Cytogenetic location: 13q13.1.
Variant type: single nucleotide variant.
Coding change: c.5155A>T on transcript NM_000059.4 (MANE Select); coding-DNA position 5155, A replaced by T.
Protein change: p.Asn1719Tyr; replaces asparagine 1719 with tyrosine.
Molecular consequence: missense variant.
Genome position (GRCh38, 1-based): chr13:32,339,510, A>T. VCF-style: chr13-32339510-A-T. GRCh37 (hg19) VCF-style: chr13-32913647-A-T.
Other names: p.Asn1719Tyr; 5383A>T; short protein forms N1719Y.
Identifiers: ClinVar variation 91835 (VCV000091835.20), dbSNP rs398122794, ClinGen allele CA021407.
Genomic context (GRCh38, chr13:32,339,510, plus strand): 5'-GATGGTCAACCAGAAAGAATAAATACTGCAGATTATGTAGGAAATTATTTGTATGAAAAT[A>T]ATTCAAACAGTACTATAGCTGAAAATGACAAAAATCATCTCTCCGAAAAACAAGATACTT-3'
Protein context (NP_000050.3, residues 1709-1729): DYVGNYLYEN[Asn1719Tyr]SNSTIAENDK

ClinVar aggregate classification (germline): Conflicting classifications of pathogenicity. Review status: criteria provided, conflicting classifications (1 of 4 stars). 6 submissions from 6 submitters: Uncertain significance (3); Likely benign (2). 1 of the submissions does not count toward it. Last evaluated 2025-09-10.

Conditions:
Hereditary breast ovarian cancer syndrome. Also called: Breast and ovarian cancer; Hereditary breast and ovarian cancer; Hereditary breast and ovarian cancer syndrome; BRCA1- and BRCA2-Associated Hereditary Breast and Ovarian Cancer; Hereditary breast and ovarian cancer syndrome (HBOC); Hereditary breast and/or ovarian cancer syndrome. Identifiers: Orphanet 145, MedGen C0677776, MeSH D061325, MONDO:0003582. Disease mechanism: loss of function.
Hereditary cancer-predisposing syndrome. Also called: Tumor predisposition; Hereditary Cancer Syndrome; Neoplastic Syndromes, Hereditary; Hereditary neoplastic syndrome. Identifiers: Orphanet 140162, MedGen C0027672, MeSH D009386, MONDO:0015356.
Breast-ovarian cancer, familial, susceptibility to, 2 (BROVCA2). Also called: BRCA2 Hereditary Breast and Ovarian Cancer. Identifiers: Orphanet 145, MedGen C2675520, MONDO:0012933, OMIM 612555. Disease mechanism: loss of function.

Submissions (6):

Labcorp Genetics (formerly Invitae), Labcorp
Classification: Uncertain significance for Hereditary breast ovarian cancer syndrome. Last evaluated: 2025-09-10. Review status: criteria provided, single submitter. Criteria: Invitae Variant Classification Sherloc (09022015). Collection method: clinical testing. Allele origin: germline.
Comment: This sequence change replaces asparagine, which is neutral and polar, with tyrosine, which is neutral and polar, at codon 1719 of the BRCA2 protein (p.Asn1719Tyr). This variant is not present in population databases (gnomAD no frequency). This variant has not been reported in the literature in individuals affected with BRCA2-related conditions. ClinVar contains an entry for this variant (Variation ID: 91835). Invitae Evidence Modeling of protein sequence and biophysical properties (such as structural, functional, and spatial information, amino acid conservation, physicochemical variation, residue mobility, and thermodynamic stability) indicates that this missense variant is not expected to disrupt BRCA2 protein function with a negative predictive value of 95%. In summary, the available evidence is currently insufficient to determine the role of this variant in disease. Therefore, it has been classified as a Variant of Uncertain Significance.

Ambry Genetics
Classification: Uncertain significance for Hereditary cancer-predisposing syndrome. Last evaluated: 2025-08-08. Review status: criteria provided, single submitter. Criteria: Ambry Variant Classification Scheme 2023. Collection method: clinical testing. Allele origin: germline.
Comment: The p.N1719Y variant (also known as c.5155A>T), located in coding exon 10 of the BRCA2 gene, results from an A to T substitution at nucleotide position 5155. The asparagine at codon 1719 is replaced by tyrosine, an amino acid with dissimilar properties. This amino acid position is conserved. In addition, this alteration is predicted to be tolerated by in silico analysis. Since supporting evidence is limited at this time, the clinical significance of this alteration remains unclear.

Mayo Clinic Laboratories, Mayo Clinic
Classification: Likely benign. Last evaluated: 2025-01-06. Review status: criteria provided, single submitter. Criteria: ACMG Guidelines, 2015. Collection method: clinical testing. Allele origin: germline. Observed: 1 variant allele.
Comment: BP1_strong

Color Diagnostics, LLC DBA Color Health
Classification: Uncertain significance for Hereditary cancer-predisposing syndrome. Last evaluated: 2023-12-05. Review status: criteria provided, single submitter. Criteria: ACMG Guidelines, 2015. Collection method: clinical testing. Allele origin: germline.
Comment: This missense variant replaces asparagine with tyrosine at codon 1719 of the BRCA2 protein. Computational prediction suggests that this variant may not impact protein structure and function (internally defined REVEL score threshold <= 0.5, PMID: 27666373). To our knowledge, functional studies have not been reported for this variant. This variant has not been reported in individuals affected with BRCA2-related disorders in the literature. This variant has not been identified in the general population by the Genome Aggregation Database (gnomAD). The available evidence is insufficient to determine the role of this variant in disease conclusively. Therefore, this variant is classified as a Variant of Uncertain Significance.

University of Washington Department of Laboratory Medicine, University of Washington
Classification: Likely benign for Hereditary cancer-predisposing syndrome. Last evaluated: 2023-03-23. Review status: criteria provided, single submitter. Criteria: Dines et al. (Genet Med. 2020). Collection method: curation. Allele origin: germline.
Comment: Missense variant in a coldspot region where missense variants are very unlikely to be pathogenic (PMID:31911673).

BRCA2 exon 11 coldspot. Reclassification based on statistical prior probability.

Sharing Clinical Reports Project (SCRP)
Classification: Uncertain significance for Breast-ovarian cancer, familial 2. Last evaluated: 2011-03-22. Review status: no assertion criteria provided. Collection method: clinical testing. Allele origin: germline. Not counted in ClinVar's aggregate classification.